The following is an entry in ClinVar:

ClinVar aggregate classification (germline): Pathogenic (1 of 4 stars; one submission).

Conditions:
Polycystic kidney disease, adult type (PKD1). Also called: Polycystic Kidney, Autosomal Dominant; POLYCYSTIC KIDNEY DISEASE 1 WITH OR WITHOUT POLYCYSTIC LIVER DISEASE; Polycystic Kidney Disease 1, Autosomal Dominant; Polycystic kidney disease 1; Polycystic kidney disease 1, severe; POLYCYSTIC KIDNEY DISEASE, ADULT, TYPE I. Identifiers: MedGen C3149841, MONDO:0008263, OMIM 173900.

Submission:

MVZ Medizinische Genetik Mainz
Classification: Pathogenic for Polycystic kidney disease, adult type. Last evaluated: 2021-08-26. Review status: criteria provided, single submitter. Criteria: UK Practice Guidelines For Variant Classification V4 01 2020. Collection method: clinical testing. Allele origin: germline. Inheritance: Autosomal dominant inheritance. Affected: yes. Observed: 1 variant allele.
Comment: ACMG Criteria: PVS1, PM2_SUP, PP4 (ACMG Version 3)

NM_001009944.3(PKD1):c.899dup (p.Thr301fs)

Gene: PKD1 (polycystin 1, transient receptor potential channel interacting; minus strand). Cytogenetic location: 16p13.3.
Variant type: Duplication.
Coding change: c.899dup on transcript NM_001009944.3 (MANE Select); coding-DNA position 899, one base duplicated (T; older notation c.899dupT).
Protein change: p.Thr301fs; shifts the reading frame from threonine 301.
Molecular consequence: frameshift variant.
Genome position (GRCh38, 1-based): chr16:2,118,093, A duplicated on the plus strand (T on the coding strand, the reverse complement: PKD1 is on the minus strand). VCF-style (leftmost placement, unchanged base first): chr16-2118092-G-GA. GRCh37 (hg19) VCF-style: chr16-2168093-G-GA.
Other names: c.899dup, p.Thr301fs (NM_000296.4); short protein forms T301fs.
Identifiers: ClinVar variation 3066264 (VCV003066264.1), dbSNP rs2544878899, ClinGen allele CA2740098080.